The following is an entry in ClinVar:

ClinVar aggregate classification (germline): Uncertain significance (1 of 4 stars; one submission).

Conditions:
Cowden syndrome (CS). Also called: Cowden's disease; Cowden's syndrome; Cowden disease. Identifiers: Orphanet 201, MedGen C0018553, MONDO:0016063. Disease mechanism: gain of function.

Allele frequency attached by ClinVar (database versions not stated): gnomAD exomes below 0.00001 and 0.00001; TOPMed below 0.00001; ExAC 0.00001; gnomAD 0.00001.
gnomAD v4.1: 21 of 1,606,738 alleles (0.0013%); highest among the groups gnomAD compares: Non-Finnish European, 0.0017%; no homozygotes.

Submission:

Labcorp Genetics (formerly Invitae), Labcorp
Classification: Uncertain significance for Cowden syndrome. Last evaluated: 2022-10-29. Review status: criteria provided, single submitter. Criteria: Invitae Variant Classification Sherloc (09022015). Collection method: clinical testing. Allele origin: germline.
Comment: In summary, the available evidence is currently insufficient to determine the role of this variant in disease. Therefore, it has been classified as a Variant of Uncertain Significance. Algorithms developed to predict the effect of missense changes on protein structure and function (SIFT, PolyPhen-2, Align-GVGD) all suggest that this variant is likely to be tolerated. ClinVar contains an entry for this variant (Variation ID: 1001006). This variant has not been reported in the literature in individuals affected with PIK3CA-related conditions. This variant is present in population databases (rs773300933, gnomAD 0.0009%). This sequence change replaces aspartic acid, which is acidic and polar, with asparagine, which is neutral and polar, at codon 926 of the PIK3CA protein (p.Asp926Asn).

NM_006218.4(PIK3CA):c.2776G>A (p.Asp926Asn)

Gene: PIK3CA (phosphatidylinositol-4,5-bisphosphate 3-kinase catalytic subunit alpha; plus strand). Cytogenetic location: 3q26.32.
Variant type: single nucleotide variant.
Coding change: c.2776G>A on transcript NM_006218.4 (MANE Select); coding-DNA position 2776, G replaced by A.
Protein change: p.Asp926Asn; replaces aspartic acid 926 with asparagine.
Molecular consequence: missense variant.
Genome position (GRCh38, 1-based): chr3:179,230,113, G>A. VCF-style: chr3-179230113-G-A. GRCh37 (hg19) VCF-style: chr3-178947901-G-A.
Other names: short protein forms D926N.
Identifiers: ClinVar variation 1001006 (VCV001001006.9), dbSNP rs773300933, ClinGen allele CA2711009.